The following is an entry in ClinVar:

NM_000057.4(BLM):c.886T>G (p.Tyr296Asp)

Gene: BLM (BLM RecQ like helicase; plus strand). Cytogenetic location: 15q26.1.
Variant type: single nucleotide variant.
Coding change: c.886T>G on transcript NM_000057.4 (MANE Select); coding-DNA position 886, T replaced by G.
Protein change: p.Tyr296Asp; replaces tyrosine 296 with aspartic acid.
Molecular consequence: missense variant. On other transcripts: 5 prime UTR variant (1).
Genome position (GRCh38, 1-based): chr15:90,751,873, T>G. VCF-style: chr15-90751873-T-G. GRCh37 (hg19) VCF-style: chr15-91295103-T-G.
Other names: c.886T>G, p.Tyr296Asp (NM_001287246.2, NM_001287247.2); c.-406T>G (NM_001287248.2); short protein forms Y296D.
Identifiers: ClinVar variation 822787 (VCV000822787.4), dbSNP rs1596221177, ClinGen allele CA393841811.

ClinVar aggregate classification (germline): Uncertain significance (1 of 4 stars; one submission).

Conditions:
Hereditary cancer-predisposing syndrome. Also called: Tumor predisposition; Hereditary Cancer Syndrome; Neoplastic Syndromes, Hereditary; Hereditary neoplastic syndrome. Identifiers: Orphanet 140162, MedGen C0027672, MeSH D009386, MONDO:0015356.

Submission:

Ambry Genetics
Classification: Uncertain significance for Hereditary cancer-predisposing syndrome. Last evaluated: 2019-09-23. Review status: criteria provided, single submitter. Criteria: Ambry Variant Classification Scheme 2023. Collection method: clinical testing. Allele origin: germline.
Comment: The p.Y296D variant (also known as c.886T>G), located in coding exon 3 of the BLM gene, results from a T to G substitution at nucleotide position 886. The tyrosine at codon 296 is replaced by aspartic acid, an amino acid with highly dissimilar properties. This amino acid position is well conserved in available vertebrate species. In addition, this alteration is predicted to be tolerated by in silico analysis. Since supporting evidence is limited at this time, the clinical significance of this alteration remains unclear.